The following is an entry in ClinVar:

ClinVar aggregate classification (germline): Pathogenic (1 of 4 stars; one submission).

Conditions:
ZFHX3-related disorder. Also called: ZFHX3-related condition.

Submission:

Rady Children's Institute for Genomic Medicine, Rady Children's Hospital San Diego
Classification: Pathogenic for ZFHX3-related disorders. Last evaluated: 2025-10-23. Review status: criteria provided, single submitter. Criteria: ACMG Guidelines, 2015. Collection method: clinical testing. Allele origin: germline. Affected: yes.
Comment: This frameshift variant in exon 2 of 10 is predicted to result in loss of normal protein function through either protein truncation or nonsense-mediated mRNA decay. Loss-of-function variation in ZFHX3 is an established mechanism of disease (PMID: 38412861). This variant has not been previously reported or functionally characterized in the literature to our knowledge. The c.2655del (p.Gln885HisfsTer3) variant is absent from the latest version of the gnomAD population database and thus is presumed to be rare. Based on parental analysis, this variant likely occurred as a de novo event. Based on the available evidence, c.2655del (p.Gln885HisfsTer3) is classified as Pathogenic.

Literature cited by the submitters: PubMed 38412861.

NM_006885.4(ZFHX3):c.2655del (p.Gln885fs)

Gene: ZFHX3 (zinc finger homeobox 3; minus strand). Cytogenetic location: 16q22.3.
Variant type: Deletion.
Coding change: c.2655del on transcript NM_006885.4 (MANE Select); coding-DNA position 2655, one base deleted (G; older notation c.2655delG).
Protein change: p.Gln885fs; shifts the reading frame from glutamine 885.
Molecular consequence: frameshift variant. On other transcripts: intron variant (1).
Genome position (GRCh38, 1-based): chr16:72,957,491, C deleted on the plus strand (G on the coding strand, the reverse complement: ZFHX3 is on the minus strand). VCF-style (leftmost placement, unchanged base first): chr16-72957490-AC-A. GRCh37 (hg19) VCF-style: chr16-72991389-AC-A.
Other names: c.2655del, p.Gln885fs (NM_001386735.1); c.-23-6526del (NM_001164766.2); short protein forms Q885fs.
Identifiers: ClinVar variation 4814234 (VCV004814234.1).
Genomic context (GRCh38, chr16:72,957,490, plus strand): 5'-GAGCAGGCGTCATGGCGGCCATGGGCCCGGCGGGATCCAGCTGGAATCCGCTCATCATGA[AC>A]TGGGCGTCCGAGGCAGCACTGTCCATCTTCAGGTTGGGCAGGTTCATGTTCTGGGCCAGG-3'